The following is an entry in ClinVar:

NM_004006.3(DMD):c.4404G>T (p.Glu1468Asp)

Gene: DMD (dystrophin; minus strand). Cytogenetic location: Xp21.1.
Variant type: single nucleotide variant.
Coding change: c.4404G>T on transcript NM_004006.3 (MANE Select); coding-DNA position 4404, G replaced by T.
Protein change: p.Glu1468Asp; replaces glutamic acid 1468 with aspartic acid.
Molecular consequence: missense variant.
Genome position (GRCh38, 1-based): chrX:32,389,615, C>A on the plus strand (G>T on the coding strand, the complement: DMD is on the minus strand). VCF-style: chrX-32389615-C-A. GRCh37 (hg19) VCF-style: chrX-32407732-C-A.
Other names: c.4380G>T, p.Glu1460Asp (NM_000109.4); c.4392G>T, p.Glu1464Asp (NM_004009.3); c.4035G>T, p.Glu1345Asp (NM_004010.3); c.381G>T, p.Glu127Asp (NM_004011.4); c.372G>T, p.Glu124Asp (NM_004012.4); short protein forms E124D, E127D, E1345D, E1460D, E1464D, E1468D.
Identifiers: ClinVar variation 1330656 (VCV001330656.13), dbSNP rs1462655612, ClinGen allele CA412663602.

ClinVar aggregate classification (germline): Uncertain significance. Review status: criteria provided, multiple submitters, no conflicts (2 of 4 stars). 3 submissions from 3 submitters: Uncertain significance (3). Last evaluated 2026-01-14.

Conditions:
Becker muscular dystrophy (BMD). Also called: MUSCULAR DYSTROPHY, PSEUDOHYPERTROPHIC PROGRESSIVE, BECKER TYPE; Becker Muscular Dystrophy (BMD). Identifiers: Orphanet 98895, MedGen C0917713, MONDO:0010311, OMIM 300376.
Dilated cardiomyopathy 3B (CMD3B). Also called: CMD3B: DMD-Related Dilated Cardiomyopathy; CARDIOMYOPATHY, DILATED, X-LINKED; DMD-Associated Dilated Cardiomyopathy. Identifiers: Orphanet 154, MedGen C3668940, MONDO:0010542, OMIM 302045.
Duchenne muscular dystrophy (DMD). Also called: MUSCULAR DYSTROPHY, PSEUDOHYPERTROPHIC PROGRESSIVE, DUCHENNE TYPE; Duchenne Muscular Dystrophy (DMD). Identifiers: Orphanet 98896, MedGen C0013264, MONDO:0010679, OMIM 310200.

Allele frequency attached by ClinVar (database versions not stated): gnomAD exomes below 0.00001 and 0.00001; TOPMed 0.00001.
gnomAD v4.1: 3 of 1,210,750 alleles (0.00025%); highest among the groups gnomAD compares: Non-Finnish European, 0.00034%; no homozygotes.

Submissions (3):

Labcorp Genetics (formerly Invitae), Labcorp
Classification: Uncertain significance for Duchenne muscular dystrophy. Last evaluated: 2026-01-14. Review status: criteria provided, single submitter. Criteria: Invitae Variant Classification Sherloc (09022015). Collection method: clinical testing. Allele origin: germline.
Comment: This sequence change replaces glutamic acid, which is acidic and polar, with aspartic acid, which is acidic and polar, at codon 1468 of the DMD protein (p.Glu1468Asp). This variant is not present in population databases (gnomAD no frequency). This variant has not been reported in the literature in individuals affected with DMD-related conditions. ClinVar contains an entry for this variant (Variation ID: 1330656). Invitae Evidence Modeling of protein sequence and biophysical properties (such as structural, functional, and spatial information, amino acid conservation, physicochemical variation, residue mobility, and thermodynamic stability) indicates that this missense variant is not expected to disrupt DMD protein function with a negative predictive value of 95%. In summary, the available evidence is currently insufficient to determine the role of this variant in disease. Therefore, it has been classified as a Variant of Uncertain Significance.

Fulgent Genetics
Classification: Uncertain significance for Becker muscular dystrophy; Dilated cardiomyopathy 3B; Duchenne muscular dystrophy. Last evaluated: 2021-07-06. Review status: criteria provided, single submitter. Criteria: ACMG Guidelines, 2015. Collection method: clinical testing. Allele origin: unknown.

ARUP Laboratories, Molecular Genetics and Genomics, ARUP Laboratories
Classification: Uncertain significance. Last evaluated: 2020-12-11. Review status: criteria provided, single submitter. Criteria: ARUP Molecular Germline Variant Investigation Process 2021. Collection method: clinical testing. Allele origin: germline.
Comment: The DMD c.4404G>T; p.Glu1468Asp variant (rs1462655612), to our knowledge, is not reported in the medical literature or gene-specific databases. This variant is found on a single chromosome in the Genome Aggregation Database (1/182803 alleles), indicating it is not a common polymorphism. The glutamate at codon 1468 is highly conserved, but it occurs as an aspartate in several vertebrate species, and computational analyses predict that this variant is neutral (REVEL: 0.021). However, given the lack of clinical and functional data, the significance of the p.Glu1468Asp variant is uncertain at this time.